The following is an entry in ClinVar:

NM_001127644.2(GABRA1):c.703+45T>G

Gene: GABRA1 (gamma-aminobutyric acid type A receptor subunit alpha1; plus strand). Cytogenetic location: 5q34.
Variant type: single nucleotide variant.
Coding change: c.703+45T>G on transcript NM_001127644.2 (MANE Select); 45 bases into the intron after coding-DNA position 703, T replaced by G.
Molecular consequence: intron variant.
Genome position (GRCh38, 1-based): chr5:161,882,746, T>G. VCF-style: chr5-161882746-T-G. GRCh37 (hg19) VCF-style: chr5-161309752-T-G.
Other names: c.703+45T>G (NM_000806.5, NM_001127643.2, NM_001127645.2 and 1 more transcripts).
Identifiers: ClinVar variation 670654 (VCV000670654.3), dbSNP rs11135172, ClinGen allele CA3544497.

ClinVar aggregate classification (germline): Benign. Review status: criteria provided, multiple submitters, no conflicts (2 of 4 stars). 2 submissions from 2 submitters: Benign (2). Last evaluated 2024-07-15.

Allele frequency attached by ClinVar (database versions not stated): 1000 Genomes Project 30x 0.17520; ESP Exome Variant Server 0.17871; TOPMed 0.18168; gnomAD 0.19182 and 0.19360; ExAC 0.21586; gnomAD exomes 0.22029 and 0.22492.
gnomAD v4.1: 337,767 of 1,550,798 alleles (22%); highest among the groups gnomAD compares: Middle Eastern, 25%; 38,259 homozygotes.

Submissions (2):

Unidad de Genómica Garrahan, Hospital de Pediatría Garrahan
Classification: Benign. Last evaluated: 2024-07-15. Review status: criteria provided, single submitter. Criteria: ACMG Guidelines, 2015. Collection method: clinical testing. Allele origin: germline. Affected: no. Observed: 37 variant alleles.
Comment: This variant is classified as Benign based on local population frequency. This variant was detected in 40% of patients studied in a panel designed for Epileptic and Developmental Encephalopathy and Progressive Myoclonus Epilepsy. Number of patients: 37. Only high quality variants are reported.

GeneDx
Classification: Benign. Last evaluated: 2018-06-19. Review status: criteria provided, single submitter. Criteria: GeneDx Variant Classification (06012015). Collection method: clinical testing. Allele origin: germline. Affected: yes.
Comment: This variant is considered likely benign or benign based on one or more of the following criteria: it is a conservative change, it occurs at a poorly conserved position in the protein, it is predicted to be benign by multiple in silico algorithms, and/or has population frequency not consistent with disease.